The following is an entry in ClinVar:

NM_153252.5(BRWD3):c.2943+4A>G

Gene: BRWD3 (bromodomain and WD repeat domain containing 3; minus strand). Cytogenetic location: Xq21.1.
Variant type: single nucleotide variant.
Coding change: c.2943+4A>G on transcript NM_153252.5 (MANE Select); 4 bases into the intron after coding-DNA position 2943, A replaced by G.
Molecular consequence: intron variant.
Genome position (GRCh38, 1-based): chrX:80,699,953, T>C on the plus strand (A>G on the coding strand, the complement: BRWD3 is on the minus strand). VCF-style: chrX-80699953-T-C. GRCh37 (hg19) VCF-style: chrX-79955452-T-C.
Identifiers: ClinVar variation 2663646 (VCV002663646.1), dbSNP rs2520258686, ClinGen allele CA2580610810.

ClinVar aggregate classification (germline): Uncertain significance (1 of 4 stars; one submission).

Allele frequency attached by ClinVar (database versions not stated): gnomAD exomes below 0.00001.
gnomAD v4.1: 6 of 1,198,173 alleles (0.0005%); highest among the groups gnomAD compares: Non-Finnish European, 0.00045%; no homozygotes.

Submission:

GeneDx
Classification: Uncertain significance. Last evaluated: 2023-04-20. Review status: criteria provided, single submitter. Criteria: GeneDx Variant Classification Process June 2021. Collection method: clinical testing. Allele origin: germline. Affected: yes.
Comment: Not observed at significant frequency in large population cohorts (gnomAD); In silico analysis supports that this variant does not alter splicing; Has not been previously published as pathogenic or benign to our knowledge